The following is an entry in ClinVar:

NM_022765.4(MICAL1):c.929G>A (p.Arg310His)

Gene: MICAL1 (microtubule associated monooxygenase, calponin and LIM domain containing 1; minus strand). Cytogenetic location: 6q21.
Variant type: single nucleotide variant.
Coding change: c.929G>A on transcript NM_022765.4 (MANE Select); coding-DNA position 929, G replaced by A.
Protein change: p.Arg310His; replaces arginine 310 with histidine.
Molecular consequence: missense variant.
Genome position (GRCh38, 1-based): chr6:109,451,604, C>T on the plus strand (G>A on the coding strand, the complement: MICAL1 is on the minus strand). VCF-style: chr6-109451604-C-T. GRCh37 (hg19) VCF-style: chr6-109772807-C-T.
Other names: c.929G>A, p.Arg310His (NM_001159291.2); c.986G>A, p.Arg329His (NM_001286613.2); short protein forms R329H, R310H.
Identifiers: ClinVar variation 1984980 (VCV001984980.6), dbSNP rs200332102, ClinGen allele CA3953563.

ClinVar aggregate classification (germline): Uncertain significance. Review status: criteria provided, multiple submitters, no conflicts (2 of 4 stars). 2 submissions from 2 submitters: Uncertain significance (2). Last evaluated 2025-12-16.

Allele frequency attached by ClinVar (database versions not stated): TOPMed 0.00003; gnomAD 0.00004; gnomAD exomes 0.00005; ExAC 0.00007.
gnomAD v4.1: 81 of 1,613,608 alleles (0.005%); highest among the groups gnomAD compares: Non-Finnish European, 0.0064%; no homozygotes.

Submissions (2):

Labcorp Genetics (formerly Invitae), Labcorp
Classification: Uncertain significance. Last evaluated: 2025-12-16. Review status: criteria provided, single submitter. Criteria: Invitae Variant Classification Sherloc (09022015). Collection method: clinical testing. Allele origin: germline.
Comment: This sequence change replaces arginine, which is basic and polar, with histidine, which is basic and polar, at codon 329 of the MICAL1 protein (p.Arg329His). This variant is present in population databases (rs200332102, gnomAD 0.01%). This variant has not been reported in the literature in individuals affected with MICAL1-related conditions. ClinVar contains an entry for this variant (Variation ID: 1984980). An algorithm developed to predict the effect of missense changes on protein structure and function outputs the following: PolyPhen-2: "Benign". The histidine amino acid residue is found in multiple mammalian species, which suggests that this missense change does not adversely affect protein function. In summary, the available evidence is currently insufficient to determine the role of this variant in disease. Therefore, it has been classified as a Variant of Uncertain Significance.

Ambry Genetics
Classification: Uncertain significance. Last evaluated: 2025-05-13. Review status: criteria provided, single submitter. Criteria: Ambry Variant Classification Scheme 2023. Collection method: clinical testing. Allele origin: germline.